The following is an entry in ClinVar:

NM_000540.3(RYR1):c.9319G>A (p.Val3107Met)

Gene: RYR1 (ryanodine receptor 1; plus strand). Cytogenetic location: 19q13.2.
Variant type: single nucleotide variant.
Coding change: c.9319G>A on transcript NM_000540.3 (MANE Select); coding-DNA position 9319, G replaced by A.
Protein change: p.Val3107Met; replaces valine 3107 with methionine.
Molecular consequence: missense variant.
Genome position (GRCh38, 1-based): chr19:38,512,330, G>A. VCF-style: chr19-38512330-G-A. GRCh37 (hg19) VCF-style: chr19-39002970-G-A.
Other names: c.9319G>A, p.Val3107Met (NM_001042723.2); short protein forms V3107M.
Identifiers: ClinVar variation 3385502 (VCV003385502.1).

ClinVar aggregate classification (germline): Uncertain significance (1 of 4 stars; one submission).

Conditions:
Malignant hyperthermia, susceptibility to, 1 (MHS1). Also called: Anesthesia related hyperthermia; Malignant hyperpyrexia; Fulminating hyperpyrexia; Pharmacogenic myopathy; Malignant hyperthermia suceptibility 1; RYR1-Related Malignant Hyperthermia Susceptibility. Identifiers: Orphanet 423, MedGen C2930980, MONDO:0007783, OMIM 145600.

Submission:

All of Us Research Program, National Institutes of Health
Classification: Uncertain significance for Malignant hyperthermia, susceptibility to, 1. Last evaluated: 2024-08-06. Review status: criteria provided, single submitter. Criteria: ACMG Guidelines, 2015. Collection method: clinical testing. Allele origin: germline. Inheritance: Autosomal dominant inheritance. Observed: 1 variant allele, 1 heterozygote.
Comment: This study involves interpretation of variants in research participants for the purpose of population health screening. Participant phenotype was not available at the time of variant classification. Additional details can be found in publication PMID: 35346344, PMCID: PMC8962531